The following is an entry in ClinVar:

ClinVar aggregate classification (germline): Likely pathogenic. Review status: criteria provided, multiple submitters, no conflicts (2 of 4 stars). 2 submissions from 2 submitters: Likely pathogenic (2). Last evaluated 2026-07-07.

Conditions:
TTN-related disorder. Also called: TTN-related condition; TTN-related disease; TTN-related disorders.
Dilated cardiomyopathy 1G (CMD1G). Identifiers: Orphanet 154, MedGen C1858763, MONDO:0011400, OMIM 604145.
Autosomal recessive limb-girdle muscular dystrophy type 2J (LGMDR10). Also called: MUSCULAR DYSTROPHY, LIMB-GIRDLE, AUTOSOMAL RECESSIVE 10; Limb-girdle muscular dystrophy, type 2J. Identifiers: Orphanet 140922, MedGen C1837342, MONDO:0012127, OMIM 608807.

Submissions (2):

PreventionGenetics, part of Exact Sciences
Classification: Likely pathogenic for TTN-related condition. Last evaluated: 2026-07-07. Review status: criteria provided, single submitter. Criteria: ACMG Guidelines, 2015. Collection method: clinical testing. Allele origin: germline.
Comment: The TTN c.35739dupT variant is predicted to result in a frameshift and premature protein termination (p.Pro11914Serfs*7). To our knowledge, this variant has not been reported in the literature in individuals with TTN-related disorders or in a large population database (gnomAD), indicating this variant is rare. This variant is located in the I-band region of the TTN protein. RNAseq studies from heart tissue indicate this exon is not commonly included in TTN mRNA transcripts (PSI of 1%, Roberts et al. 2015. PubMed ID: 25589632). TTN loss-of-function variants occurring in non-constitutively expressed exons (PSI < 90%) are less likely to be disease causing for TTN cardiac-related disorders (Roberts et al. 2015. PubMed ID: 25589632; Schafer et al. 2017. PubMed ID: 27869827; Akhtar et al. 2020. PubMed ID: 32964742). Many cases of recessive TTN-related myopathies in which the individual is compound heterozygous for two loss-of-function variants in TTN have also been reported (Oates et al. 2018. PubMed ID: 29691892; Ge et al. 2019. PubMed ID: 31053406; Rees et al. 2021. PubMed ID: 33449170). In summary, this variant is likely pathogenic for autosomal recessive TTN-related congenital titinopathies. However, it is uncertain if this variant would be causative for autosomal dominant TTN-related disorders.

Labcorp Genetics (formerly Invitae), Labcorp
Classification: Likely pathogenic for Dilated cardiomyopathy 1G; Autosomal recessive limb-girdle muscular dystrophy type 2J. Last evaluated: 2025-09-07. Review status: criteria provided, single submitter. Criteria: Invitae Variant Classification Sherloc (09022015). Collection method: clinical testing. Allele origin: germline.
Comment: This sequence change creates a premature translational stop signal (p.Pro11914Serfs*7) in the TTN gene. While this is not anticipated to result in nonsense mediated decay, it is expected to create a truncated TTN protein. This variant is not present in population databases (gnomAD no frequency). This variant has not been reported in the literature in individuals affected with TTN-related conditions. ClinVar contains an entry for this variant (Variation ID: 1382830). Algorithms developed to predict the effect of sequence changes on RNA splicing suggest that this variant may create or strengthen a splice site. This variant is located in the I band of TTN (PMID: 25589632). Truncating variants in this region have been reported in individuals affected with autosomal recessive centronuclear myopathy (PMID: 23975875, internal data). Truncating variants in this region have also been identified in individuals affected with autosomal dominant dilated cardiomyopathy and/or cardio-related conditions (PMID: 27869827, 32964742, internal data). In summary, the currently available evidence indicates that the variant is pathogenic, but additional data are needed to prove that conclusively. Therefore, this variant has been classified as Likely Pathogenic.

Literature cited by the submitters: PubMed 25589632 (cited by Labcorp Genetics (formerly Invitae), Labcorp); PubMed 23975875 (cited by Labcorp Genetics (formerly Invitae), Labcorp); PubMed 27869827 (cited by Labcorp Genetics (formerly Invitae), Labcorp); PubMed 32964742 (cited by Labcorp Genetics (formerly Invitae), Labcorp).

NM_001267550.2(TTN):c.35739dup (p.Pro11914fs)

Gene: TTN (titin; minus strand). Cytogenetic location: 2q31.2.
Variant type: Duplication.
Coding change: c.35739dup on transcript NM_001267550.2 (MANE Select); coding-DNA position 35739, one base duplicated (T; older notation c.35739dupT).
Protein change: p.Pro11914fs; shifts the reading frame from proline 11914.
Molecular consequence: frameshift variant. On other transcripts: intron variant (5).
Genome position (GRCh38, 1-based): chr2:178,667,294, A duplicated on the plus strand (T on the coding strand, the reverse complement: TTN is on the minus strand); the first of 5 consecutive A bases (chr2:178,667,294-178,667,298); duplicating any one gives the same sequence. VCF-style (leftmost placement, unchanged base first): chr2-178667293-G-GA. GRCh37 (hg19) VCF-style: chr2-179532020-G-GA.
Other names: c.13283-24977dup (NM_003319.4); c.13859-24977dup (NM_133437.4); c.13658-24977dup (NM_133432.3); c.31483+2924dup (NM_133378.4); c.34264+2924dup (NM_001256850.1); c.35739dupT (NM_001267550.2); short protein forms P11914fs.
Identifiers: ClinVar variation 1382830 (VCV001382830.7), dbSNP rs968544783, ClinGen allele CA60975949.